The following is an entry in ClinVar:

ClinVar aggregate classification (germline): Uncertain significance (1 of 4 stars; one submission).

Allele frequency attached by ClinVar (database versions not stated): gnomAD exomes below 0.00001 and 0.00001.
gnomAD v4.1: 1 of 1,534,582 alleles (0.000065%); highest among the groups gnomAD compares: Admixed American, 0.002%; no homozygotes.

Submission:

Labcorp Genetics (formerly Invitae), Labcorp
Classification: Uncertain significance. Last evaluated: 2022-03-03. Review status: criteria provided, single submitter. Criteria: Invitae Variant Classification Sherloc (09022015). Collection method: clinical testing. Allele origin: germline.
Comment: This variant has not been reported in the literature in individuals affected with KCNQ5-related conditions. This variant is present in population databases (no rsID available, gnomAD 0.004%). This sequence change replaces glutamic acid, which is acidic and polar, with aspartic acid, which is acidic and polar, at codon 77 of the KCNQ5 protein (p.Glu77Asp). In summary, the available evidence is currently insufficient to determine the role of this variant in disease. Therefore, it has been classified as a Variant of Uncertain Significance. Advanced modeling of protein sequence and biophysical properties (such as structural, functional, and spatial information, amino acid conservation, physicochemical variation, residue mobility, and thermodynamic stability) performed at Invitae indicates that this missense variant is not expected to disrupt KCNQ5 protein function.

NM_019842.4(KCNQ5):c.231G>C (p.Glu77Asp)

Genes: KCNQ5 (potassium voltage-gated channel subfamily Q member 5; plus strand), KCNQ5-DT (KCNQ5 divergent transcript; minus strand). Cytogenetic location: 6q13.
Variant type: single nucleotide variant.
Coding change: c.231G>C on transcript NM_019842.4 (MANE Select); coding-DNA position 231, G replaced by C.
Protein change: p.Glu77Asp; replaces glutamic acid 77 with aspartic acid.
Molecular consequence: missense variant.
Genome position (GRCh38, 1-based): chr6:72,622,420, G>C. VCF-style: chr6-72622420-G-C. GRCh37 (hg19) VCF-style: chr6-73332148-G-C.
Other names: c.231G>C, p.Glu77Asp (NM_001160130.2, NM_001160132.2, NM_001160133.2 and 1 more transcripts); short protein forms E77D.
Identifiers: ClinVar variation 1480621 (VCV001480621.8), dbSNP rs1229639037, ClinGen allele CA364824409.